The following is an entry in ClinVar:

ClinVar aggregate classification (germline): Conflicting classifications of pathogenicity. Review status: criteria provided, conflicting classifications (1 of 4 stars). 2 submissions from 2 submitters: Likely pathogenic (1); Uncertain significance (1). Last evaluated 2025-08-10.

Conditions:
Atypical hemolytic-uremic syndrome with I factor anomaly. Also called: HEMOLYTIC UREMIC SYNDROME, ATYPICAL, SUSCEPTIBILITY TO, 3; AHUS, SUSCEPTIBILITY TO, 3. Identifiers: Orphanet 2134, MedGen C2752039, MONDO:0013041, OMIM 612923.

Submissions (2):

Labcorp Genetics (formerly Invitae), Labcorp
Classification: Uncertain significance. Last evaluated: 2025-08-10. Review status: criteria provided, single submitter. Criteria: Invitae Variant Classification Sherloc (09022015). Collection method: clinical testing. Allele origin: germline.
Comment: This sequence change creates a premature translational stop signal (p.Gly526*) in the CFI gene. While this is not anticipated to result in nonsense mediated decay, it is expected to disrupt the last 58 amino acid(s) of the CFI protein. This variant is not present in population databases (gnomAD no frequency). This variant has not been reported in the literature in individuals affected with CFI-related conditions. ClinVar contains an entry for this variant (Variation ID: 3236175). Algorithms developed to predict the effect of sequence changes on RNA splicing suggest that this variant may disrupt the consensus splice site. In summary, the available evidence is currently insufficient to determine the role of this variant in disease. Therefore, it has been classified as a Variant of Uncertain Significance.

MVZ Medizinische Genetik Mainz
Classification: Likely pathogenic for Atypical hemolytic-uremic syndrome with I factor anomaly. Last evaluated: 2024-01-24. Review status: criteria provided, single submitter. Criteria: UK Practice Guidelines For Variant Classification V4 01 2020. Collection method: clinical testing. Allele origin: germline. Inheritance: Autosomal dominant inheritance. Affected: yes. Observed: 1 variant allele.
Comment: ACMG Criteria: PVS1_STR,PM2_SUP,PP4

NM_000204.5(CFI):c.1576G>T (p.Gly526Ter)

Gene: CFI (complement factor I; minus strand). Cytogenetic location: 4q25.
Variant type: single nucleotide variant.
Coding change: c.1576G>T on transcript NM_000204.5 (MANE Select); coding-DNA position 1576, G replaced by T.
Protein change: p.Gly526Ter; replaces glycine 526 with a stop codon.
Molecular consequence: nonsense. On other transcripts: non-coding transcript variant (3), intron variant (5).
Genome position (GRCh38, 1-based): chr4:109,741,069, C>A on the plus strand (G>T on the coding strand, the complement: CFI is on the minus strand). VCF-style: chr4-109741069-C-A. GRCh37 (hg19) VCF-style: chr4-110662225-C-A.
Other names: c.1600G>T, p.Gly534Ter (NM_001318057.2); c.1555G>T, p.Gly519Ter (NM_001331035.2); c.1519G>T, p.Gly507Ter (NM_001375283.1); c.967G>T, p.Gly323Ter (NM_001375284.1); c.1513+1422G>T (NM_001375282.1, NM_001375280.1); c.1534+1422G>T (NM_001375281.1, NM_001375279.1); c.1558+1422G>T (NM_001375278.1); short protein forms G323*, G507*, G519*, G526*, G534*.
Identifiers: ClinVar variation 3236175 (VCV003236175.2), dbSNP rs2545358074, ClinGen allele CA357854653.